The following is an entry in ClinVar:

ClinVar aggregate classification (germline): Uncertain significance (1 of 4 stars; one submission).

Conditions:
Rhabdoid tumor predisposition syndrome 2 (RTPS2). Identifiers: Orphanet 231108, Orphanet 69077, MedGen C2750074, MONDO:0013224, OMIM 613325.

gnomAD v4.1: 2 of 1,610,190 alleles (0.00012%); highest among the groups gnomAD compares: Non-Finnish European, 0.00017%; no homozygotes.

Submission:

Labcorp Genetics (formerly Invitae), Labcorp
Classification: Uncertain significance for Rhabdoid tumor predisposition syndrome 2. Last evaluated: 2024-07-13. Review status: criteria provided, single submitter. Criteria: Invitae Variant Classification Sherloc (09022015). Collection method: clinical testing. Allele origin: germline.
Comment: This sequence change replaces arginine, which is basic and polar, with cysteine, which is neutral and slightly polar, at codon 874 of the SMARCA4 protein (p.Arg874Cys). This variant is not present in population databases (gnomAD no frequency). This variant has not been reported in the literature in individuals affected with SMARCA4-related conditions. Advanced modeling of protein sequence and biophysical properties (such as structural, functional, and spatial information, amino acid conservation, physicochemical variation, residue mobility, and thermodynamic stability) performed at Invitae indicates that this missense variant is expected to disrupt SMARCA4 protein function with a positive predictive value of 95%. In summary, the available evidence is currently insufficient to determine the role of this variant in disease. Therefore, it has been classified as a Variant of Uncertain Significance.

NM_003072.5(SMARCA4):c.2620C>T (p.Arg874Cys)

Gene: SMARCA4 (SWI/SNF related BAF chromatin remodeling complex subunit ATPase 4; plus strand). Cytogenetic location: 19p13.2.
Variant type: single nucleotide variant.
Coding change: c.2620C>T on transcript NM_003072.5 (MANE Select); coding-DNA position 2620, C replaced by T.
Protein change: p.Arg874Cys; replaces arginine 874 with cysteine.
Molecular consequence: missense variant. On other transcripts: non-coding transcript variant (1).
Genome position (GRCh38, 1-based): chr19:11,021,728, C>T. VCF-style: chr19-11021728-C-T. GRCh37 (hg19) VCF-style: chr19-11132404-C-T.
Other names: c.2620C>T, p.Arg874Cys (NM_001128848.2, NM_001128849.3, NM_001374457.1 and 6 more transcripts); short protein forms R874C.
Identifiers: ClinVar variation 3619991 (VCV003619991.2).
Genomic context (GRCh38, chr19:11,021,728, plus strand): 5'-CCATGTGCCGGGCCACCTGCTGCCCCCTGCCCTGATTGCCCACTCTGGGGCCCGCAGATC[C>T]GTTGGAAGTACATGATTGTGGACGAAGGTCACCGCATGAAGAACCACCACTGCAAGCTGA-3'
Protein context (NP_003063.2, residues 864-884): IKDKHILAKI[Arg874Cys]WKYMIVDEGH